The following is an entry in ClinVar:

ClinVar aggregate classification (germline): Uncertain significance (1 of 4 stars; one submission).

Conditions:
Cardiovascular phenotype. Identifiers: MedGen CN230736.

Submission:

Ambry Genetics
Classification: Uncertain significance for Cardiovascular phenotype. Last evaluated: 2026-05-03. Review status: criteria provided, single submitter. Criteria: Ambry Variant Classification Scheme 2023. Collection method: clinical testing. Allele origin: germline.
Comment: The p.D153A variant (also known as c.458A>C), located in coding exon 3 of the GLA gene, results from an A to C substitution at nucleotide position 458. The aspartic acid at codon 153 is replaced by alanine, an amino acid with dissimilar properties. This amino acid position is conserved. In addition, this alteration is predicted to be deleterious by in silico analysis. Based on the available evidence, the clinical significance of this variant remains unclear.

NM_000169.3(GLA):c.458A>C (p.Asp153Ala)

Genes: GLA (galactosidase alpha; minus strand), RPL36A-HNRNPH2 (RPL36A-HNRNPH2 readthrough; plus strand). Cytogenetic location: Xq22.1.
Variant type: single nucleotide variant.
Coding change: c.458A>C on transcript NM_000169.3 (MANE Select); coding-DNA position 458, A replaced by C.
Protein change: p.Asp153Ala; replaces aspartic acid 153 with alanine.
Molecular consequence: missense variant. On other transcripts: non-coding transcript variant (3), intron variant (2).
Genome position (GRCh38, 1-based): chrX:101,401,721, T>G on the plus strand (A>C on the coding strand, the complement: GLA is on the minus strand). VCF-style: chrX-101401721-T-G. GRCh37 (hg19) VCF-style: chrX-100656709-T-G.
Other names: c.581A>C, p.Asp194Ala (NM_001406747.1, NM_001406749.1); c.458A>C, p.Asp153Ala (NM_001406748.1); c.300+6264T>G (NM_001199973.2); c.177+9899T>G (NM_001199974.2); short protein forms D153A, D194A.
Identifiers: ClinVar variation 4858095 (VCV004858095.1).
Genomic context (GRCh38, chrX:101,401,721, plus strand): 5'-TAACAACCATCAAATTTTAGCAGATCTACTCCCCAGTCAGCAAAGGTCTGGGCATCAATG[T>G]CGTAGTATCCAAAACTCCCAGGGAAGCCTGCGCAGGTTTTATTTCCAACATCTGCATAAA-3'
Protein context (NP_000160.1, residues 143-163): AGFPGSFGYY[Asp153Ala]IDAQTFADWG